The following is an entry in ClinVar:

NM_213599.3(ANO5):c.1811G>A (p.Gly604Glu)

Gene: ANO5 (anoctamin 5; plus strand). Cytogenetic location: 11p14.3.
Variant type: single nucleotide variant.
Coding change: c.1811G>A on transcript NM_213599.3 (MANE Select); coding-DNA position 1811, G replaced by A.
Protein change: p.Gly604Glu; replaces glycine 604 with glutamic acid.
Molecular consequence: missense variant.
Genome position (GRCh38, 1-based): chr11:22,262,956, G>A. VCF-style: chr11-22262956-G-A. GRCh37 (hg19) VCF-style: chr11-22284502-G-A.
Other names: c.1808G>A, p.Gly603Glu (NM_001142649.2); c.1769G>A, p.Gly590Glu (NM_001410963.1); c.1766G>A, p.Gly589Glu (NM_001410964.1); short protein forms G589E, G590E, G603E, G604E.
Identifiers: ClinVar variation 3753737 (VCV003753737.2).

ClinVar aggregate classification (germline): Uncertain significance (1 of 4 stars; one submission).

Conditions:
Gnathodiaphyseal dysplasia (GDD). Also called: GNATHODIAPHYSEAL SCLEROSIS; OSTEOGENESIS IMPERFECTA WITH UNUSUAL SKELETAL LESIONS. Identifiers: Orphanet 53697, MedGen C1833736, MONDO:0008151, OMIM 166260.
Autosomal recessive limb-girdle muscular dystrophy type 2L (LGMDR12). Also called: Limb-girdle muscular dystrophy, type 2L; MUSCULAR DYSTROPHY, LIMB-GIRDLE, AUTOSOMAL RECESSIVE 12; Limb-Girdle Muscular Dystrophy R12 Anoctamin-5-Related (LGMD-R12). Identifiers: Orphanet 206549, MedGen C1969785, MONDO:0012652, OMIM 611307.

Submission:

Labcorp Genetics (formerly Invitae), Labcorp
Classification: Uncertain significance for Autosomal recessive limb-girdle muscular dystrophy type 2L; Gnathodiaphyseal dysplasia. Last evaluated: 2025-06-23. Review status: criteria provided, single submitter. Criteria: Invitae Variant Classification Sherloc (09022015). Collection method: clinical testing. Allele origin: germline.
Comment: This sequence change replaces glycine, which is neutral and non-polar, with glutamic acid, which is acidic and polar, at codon 604 of the ANO5 protein (p.Gly604Glu). This variant is not present in population databases (gnomAD no frequency). This variant has not been reported in the literature in individuals affected with ANO5-related conditions. ClinVar contains an entry for this variant (Variation ID: 3753737). Invitae Evidence Modeling of protein sequence and biophysical properties (such as structural, functional, and spatial information, amino acid conservation, physicochemical variation, residue mobility, and thermodynamic stability) has been performed for this missense variant. However, the output from this modeling did not meet the statistical confidence thresholds required to predict the impact of this variant on ANO5 protein function. In summary, the available evidence is currently insufficient to determine the role of this variant in disease. Therefore, it has been classified as a Variant of Uncertain Significance.